The following is an entry in ClinVar:

ClinVar aggregate classification (germline): Uncertain significance (1 of 4 stars; one submission).

Conditions:
COG1 congenital disorder of glycosylation (CDG2G). Also called: CDG IIg; CDGII/COG1 CEREBROCOSTOMANDIBULAR-LIKE SYNDROME; CONGENITAL DISORDER OF GLYCOSYLATION, TYPE IIg. Identifiers: Orphanet 263508, MedGen C2931011, MONDO:0012637, OMIM 611209.

Submission:

Labcorp Genetics (formerly Invitae), Labcorp
Classification: Uncertain significance for COG1 congenital disorder of glycosylation. Last evaluated: 2022-05-27. Review status: criteria provided, single submitter. Criteria: Invitae Variant Classification Sherloc (09022015). Collection method: clinical testing. Allele origin: germline.
Comment: This sequence change replaces glutamic acid, which is acidic and polar, with glycine, which is neutral and non-polar, at codon 594 of the COG1 protein (p.Glu594Gly). Information on the frequency of this variant in the gnomAD database is not available, as this variant may be reported differently in the database. This variant has not been reported in the literature in individuals affected with COG1-related conditions. Algorithms developed to predict the effect of missense changes on protein structure and function are either unavailable or do not agree on the potential impact of this missense change (SIFT: "Not Available"; PolyPhen-2: "Benign"; Align-GVGD: "Not Available"). Algorithms developed to predict the effect of sequence changes on RNA splicing suggest that this variant may create or strengthen a splice site. In summary, the available evidence is currently insufficient to determine the role of this variant in disease. Therefore, it has been classified as a Variant of Uncertain Significance.

NM_018714.3(COG1):c.1781_1782delinsGT (p.Glu594Gly)

Gene: COG1 (component of oligomeric golgi complex 1; plus strand). Cytogenetic location: 17q25.1.
Variant type: Indel.
Coding change: c.1781_1782delinsGT on transcript NM_018714.3 (MANE Select); coding-DNA positions 1781 to 1782, AG replaced by GT.
Protein change: p.Glu594Gly; replaces glutamic acid 594 with glycine.
Molecular consequence: missense variant.
Genome position (GRCh38, 1-based): chr17:73,201,608-73,201,609, AG replaced by GT. VCF-style: chr17-73201608-AG-GT. GRCh37 (hg19) VCF-style: chr17-71197747-AG-GT.
Other names: short protein forms E594G.
Identifiers: ClinVar variation 1379132 (VCV001379132.5), dbSNP rs2145098299, ClinGen allele CA2573154798.